The following is an entry in ClinVar:

ClinVar aggregate classification (germline): Uncertain significance (1 of 4 stars; one submission).

Conditions:
Adams-Oliver syndrome 5 (AOS5). Identifiers: Orphanet 974, MedGen C4014970, MONDO:0014459, OMIM 616028.

Submission:

Labcorp Genetics (formerly Invitae), Labcorp
Classification: Uncertain significance for Adams-Oliver syndrome 5. Last evaluated: 2020-01-21. Review status: criteria provided, single submitter. Criteria: Invitae Variant Classification Sherloc (09022015). Collection method: clinical testing. Allele origin: germline.
Comment: In summary, the available evidence is currently insufficient to determine the role of this variant in disease. Therefore, it has been classified as a Variant of Uncertain Significance. Algorithms developed to predict the effect of missense changes on protein structure and function (SIFT, PolyPhen-2, Align-GVGD) all suggest that this variant is likely to be disruptive, but these predictions have not been confirmed by published functional studies and their clinical significance is uncertain. This variant has not been reported in the literature in individuals with NOTCH1-related conditions. This variant is not present in population databases (ExAC no frequency). This sequence change replaces histidine with proline at codon 1847 of the NOTCH1 protein (p.His1847Pro). The histidine residue is highly conserved and there is a moderate physicochemical difference between histidine and proline.

NM_017617.5(NOTCH1):c.5540A>C (p.His1847Pro)

Gene: NOTCH1 (notch receptor 1; minus strand). Cytogenetic location: 9q34.3.
Variant type: single nucleotide variant.
Coding change: c.5540A>C on transcript NM_017617.5 (MANE Select); coding-DNA position 5540, A replaced by C.
Protein change: p.His1847Pro; replaces histidine 1847 with proline.
Molecular consequence: missense variant.
Genome position (GRCh38, 1-based): chr9:136,501,846, T>G on the plus strand (A>C on the coding strand, the complement: NOTCH1 is on the minus strand). VCF-style: chr9-136501846-T-G. GRCh37 (hg19) VCF-style: chr9-139396298-T-G.
Other names: short protein forms H1847P.
Identifiers: ClinVar variation 853383 (VCV000853383.9), dbSNP rs1843001736, ClinGen allele CA375639232.